The following is an entry in ClinVar:

ClinVar aggregate classification (germline): Uncertain significance. Review status: criteria provided, multiple submitters, no conflicts (2 of 4 stars). 2 submissions from 2 submitters: Uncertain significance (2). Last evaluated 2025-07-01.

Conditions:
Hereditary cancer-predisposing syndrome. Also called: Tumor predisposition; Hereditary Cancer Syndrome; Hereditary neoplastic syndrome; Neoplastic Syndromes, Hereditary. Identifiers: Orphanet 140162, MedGen C0027672, MeSH D009386, MONDO:0015356.

gnomAD v4.1: 12 of 1,614,014 alleles (0.00074%); highest among the groups gnomAD compares: Non-Finnish European, 0.001%; no homozygotes.

Submissions (2):

Ambry Genetics
Classification: Uncertain significance for Hereditary cancer-predisposing syndrome. Last evaluated: 2025-07-01. Review status: criteria provided, single submitter. Criteria: Ambry Variant Classification Scheme 2023. Collection method: clinical testing. Allele origin: germline.
Comment: The p.V456L variant (also known as c.1366G>C), located in coding exon 9 of the FH gene, results from a G to C substitution at nucleotide position 1366. The valine at codon 456 is replaced by leucine, an amino acid with highly similar properties. This amino acid position is highly conserved in available vertebrate species. In addition, this alteration is predicted to be deleterious by in silico analysis. Based on the available evidence, the clinical significance of this variant remains unclear.

Labcorp Genetics (formerly Invitae), Labcorp
Classification: Uncertain significance. Last evaluated: 2024-01-24. Review status: criteria provided, single submitter. Criteria: Invitae Variant Classification Sherloc (09022015). Collection method: clinical testing. Allele origin: germline.
Comment: This sequence change replaces valine, which is neutral and non-polar, with leucine, which is neutral and non-polar, at codon 456 of the FH protein (p.Val456Leu). This variant is not present in population databases (gnomAD no frequency). This variant has not been reported in the literature in individuals affected with FH-related conditions. ClinVar contains an entry for this variant (Variation ID: 485575). Advanced modeling of protein sequence and biophysical properties (such as structural, functional, and spatial information, amino acid conservation, physicochemical variation, residue mobility, and thermodynamic stability) performed at Invitae indicates that this missense variant is expected to disrupt FH protein function with a positive predictive value of 95%. In summary, the available evidence is currently insufficient to determine the role of this variant in disease. Therefore, it has been classified as a Variant of Uncertain Significance.

NM_000143.4(FH):c.1366G>C (p.Val456Leu)

Gene: FH (fumarate hydratase; minus strand). Cytogenetic location: 1q43.
Variant type: single nucleotide variant.
Coding change: c.1366G>C on transcript NM_000143.4 (MANE Select); coding-DNA position 1366, G replaced by C.
Protein change: p.Val456Leu; replaces valine 456 with leucine.
Molecular consequence: missense variant.
Genome position (GRCh38, 1-based): chr1:241,500,461, C>G on the plus strand (G>C on the coding strand, the complement: FH is on the minus strand). VCF-style: chr1-241500461-C-G. GRCh37 (hg19) VCF-style: chr1-241663761-C-G.
Other names: short protein forms V456L.
Identifiers: ClinVar variation 485575 (VCV000485575.16), dbSNP rs200244096, ClinGen allele CA40327537.